The following is an entry in ClinVar:

NM_002047.4(GARS1):c.638G>A (p.Arg213His)

Gene: GARS1 (glycyl-tRNA synthetase 1; plus strand). Cytogenetic location: 7p14.3.
Variant type: single nucleotide variant.
Coding change: c.638G>A on transcript NM_002047.4 (MANE Select); coding-DNA position 638, G replaced by A.
Protein change: p.Arg213His; replaces arginine 213 with histidine.
Molecular consequence: missense variant.
Genome position (GRCh38, 1-based): chr7:30,603,102, G>A. VCF-style: chr7-30603102-G-A. GRCh37 (hg19) VCF-style: chr7-30642718-G-A.
Other names: c.638G>A (LRG_243t1); c.476G>A, p.Arg159His (NM_001316772.1); short protein forms R213H, R159H.
Identifiers: ClinVar variation 391035 (VCV000391035.5), dbSNP rs780116880, ClinGen allele CA4205762.

ClinVar aggregate classification (germline): Uncertain significance. Review status: criteria provided, multiple submitters, no conflicts (2 of 4 stars). 2 submissions from 2 submitters: Uncertain significance (2). Last evaluated 2023-03-01.

Conditions:
Charcot-Marie-Tooth disease type 2. Also called: Charcot-Marie-Tooth type 2. Identifiers: Orphanet 64746, MedGen C0270914, MONDO:0018993.

Allele frequency attached by ClinVar (database versions not stated): gnomAD exomes below 0.00001; ExAC 0.00001.
gnomAD v4.1: 5 of 1,613,602 alleles (0.00031%); highest among the groups gnomAD compares: Non-Finnish European, 0.00042%; no homozygotes.

Submissions (2):

Labcorp Genetics (formerly Invitae), Labcorp
Classification: Uncertain significance for Charcot-Marie-Tooth disease type 2. Last evaluated: 2023-03-01. Review status: criteria provided, single submitter. Criteria: Invitae Variant Classification Sherloc (09022015). Collection method: clinical testing. Allele origin: germline.
Comment: ClinVar contains an entry for this variant (Variation ID: 391035). This variant has not been reported in the literature in individuals affected with GARS-related conditions. This variant is present in population databases (rs780116880, gnomAD 0.0009%). This sequence change replaces arginine, which is basic and polar, with histidine, which is basic and polar, at codon 213 of the GARS protein (p.Arg213His). Advanced modeling of protein sequence and biophysical properties (such as structural, functional, and spatial information, amino acid conservation, physicochemical variation, residue mobility, and thermodynamic stability) has been performed at Invitae for this missense variant, however the output from this modeling did not meet the statistical confidence thresholds required to predict the impact of this variant on GARS protein function. In summary, the available evidence is currently insufficient to determine the role of this variant in disease. Therefore, it has been classified as a Variant of Uncertain Significance.

GeneDx
Classification: Uncertain significance. Last evaluated: 2016-12-06. Review status: criteria provided, single submitter. Criteria: GeneDx Variant Classification (06012015). Collection method: clinical testing. Allele origin: germline. Affected: yes.
Comment: The R213H variant has not been published as a pathogenic variant, nor has it been reported as a benign variant to our knowledge. The R213H variant was not observed in approximately 5,900 individuals of European and African American ancestry in the NHLBI Exome Sequencing Project, indicating it is not a common benign variant in these populations. The R213H variant is a conservative amino acid substitution, which is not likely to impact secondary protein structure as these residues share similar properties. This substitution occurs at a position that is conserved across species, and in silico analysis predicts this variant is probably damaging to the protein structure/function. In summary, based on the currently available information, it is unclear whether this variant is a pathogenic variant or a rare benign variant.